The following is an entry in ClinVar:

ClinVar aggregate classification (germline): Uncertain significance (1 of 4 stars; one submission).

gnomAD v4.1: 1 of 1,614,198 alleles (0.000062%); no homozygotes.

Submission:

ARUP Laboratories, Molecular Genetics and Genomics, ARUP Laboratories
Classification: Uncertain significance. Last evaluated: 2024-10-10. Review status: criteria provided, single submitter. Criteria: ARUP Molecular Germline Variant Investigation Process 2024. Collection method: clinical testing. Allele origin: germline.
Comment: The ERCC4 c.1622A>T; p.Asp541Val variant (rs2032270734), to our knowledge, is not reported in the medical literature or gene specific databases. This variant is also absent from the Genome Aggregation Database (v2.1.1), indicating it is not a common polymorphism. Computational analyses are uncertain whether this variant is neutral or deleterious (REVEL: 0.45). Due to limited information, the clinical significance of this variant is uncertain at this time.

NM_005236.3(ERCC4):c.1622A>T (p.Asp541Val)

Gene: ERCC4 (ERCC excision repair 4, endonuclease catalytic subunit; plus strand). Cytogenetic location: 16p13.12.
Variant type: single nucleotide variant.
Coding change: c.1622A>T on transcript NM_005236.3 (MANE Select); coding-DNA position 1622, A replaced by T.
Protein change: p.Asp541Val; replaces aspartic acid 541 with valine.
Molecular consequence: missense variant.
Genome position (GRCh38, 1-based): chr16:13,935,554, A>T. VCF-style: chr16-13935554-A-T. GRCh37 (hg19) VCF-style: chr16-14029411-A-T.
Other names: short protein forms D541V.
Identifiers: ClinVar variation 3766877 (VCV003766877.1).